The following is an entry in ClinVar:

NM_000264.5(PTCH1):c.2915C>G (p.Ala972Gly)

Gene: PTCH1 (patched 1; minus strand). Cytogenetic location: 9q22.32.
Variant type: single nucleotide variant.
Coding change: c.2915C>G on transcript NM_000264.5 (MANE Select); coding-DNA position 2915, C replaced by G.
Protein change: p.Ala972Gly; replaces alanine 972 with glycine.
Molecular consequence: missense variant. On other transcripts: non-coding transcript variant (1).
Genome position (GRCh38, 1-based): chr9:95,458,266, G>C on the plus strand (C>G on the coding strand, the complement: PTCH1 is on the minus strand). VCF-style: chr9-95458266-G-C. GRCh37 (hg19) VCF-style: chr9-98220548-G-C.
Other names: c.2717C>G, p.Ala906Gly (NM_001083602.3); c.2912C>G, p.Ala971Gly (NM_001083603.3); c.2462C>G, p.Ala821Gly (NM_001083604.3, NM_001083605.3, NM_001083606.3 and 1 more transcripts); c.2759C>G, p.Ala920Gly (NM_001354918.2); short protein forms A906G, A972G, A971G, A821G, A920G.
Identifiers: ClinVar variation 3014720 (VCV003014720.4), dbSNP rs2136662608, ClinGen allele CA374112791.

ClinVar aggregate classification (germline): Uncertain significance. Review status: criteria provided, multiple submitters, no conflicts (2 of 4 stars). 2 submissions from 2 submitters: Uncertain significance (2). Last evaluated 2026-09-09.

Conditions:
Gorlin syndrome. Also called: Nevoid Basal Cell Carcinoma Syndrome; Basal cell nevus syndrome. Identifiers: Orphanet 377, MedGen C0004779, MONDO:0007187.
Hereditary cancer-predisposing syndrome. Also called: Hereditary Cancer Syndrome; Hereditary neoplastic syndrome; Neoplastic Syndromes, Hereditary; Tumor predisposition. Identifiers: Orphanet 140162, MedGen C0027672, MeSH D009386, MONDO:0015356.

Submissions (2):

Ambry Genetics
Classification: Uncertain significance for Hereditary cancer-predisposing syndrome. Last evaluated: 2026-09-09. Review status: criteria provided, single submitter. Criteria: Ambry Variant Classification Scheme 2023. Collection method: clinical testing. Allele origin: germline.
Comment: The p.A972G variant (also known as c.2915C>G), located in coding exon 18 of the PTCH1 gene, results from a C to G substitution at nucleotide position 2915. The alanine at codon 972 is replaced by glycine, an amino acid with similar properties. This amino acid position is conserved. In addition, this alteration is predicted to be deleterious by in silico analysis. Based on the available evidence, the clinical significance of this variant remains unclear.

Labcorp Genetics (formerly Invitae), Labcorp
Classification: Uncertain significance for Gorlin syndrome. Last evaluated: 2023-01-18. Review status: criteria provided, single submitter. Criteria: Invitae Variant Classification Sherloc (09022015). Collection method: clinical testing. Allele origin: germline.
Comment: This variant has not been reported in the literature in individuals affected with PTCH1-related conditions. In summary, the available evidence is currently insufficient to determine the role of this variant in disease. Therefore, it has been classified as a Variant of Uncertain Significance. Advanced modeling of protein sequence and biophysical properties (such as structural, functional, and spatial information, amino acid conservation, physicochemical variation, residue mobility, and thermodynamic stability) performed at Invitae indicates that this missense variant is not expected to disrupt PTCH1 protein function. This variant is not present in population databases (gnomAD no frequency). This sequence change replaces alanine, which is neutral and non-polar, with glycine, which is neutral and non-polar, at codon 972 of the PTCH1 protein (p.Ala972Gly).